The following is an entry in ClinVar:

ClinVar aggregate classification (germline): Uncertain significance (1 of 4 stars; one submission).

Submission:

Ambry Genetics
Classification: Uncertain significance. Last evaluated: 2023-11-03. Review status: criteria provided, single submitter. Criteria: Ambry Variant Classification Scheme 2023. Collection method: clinical testing. Allele origin: germline.
Comment: The p.T258S variant (also known as c.773C>G), located in coding exon 7 of the KIF1B gene, results from a C to G substitution at nucleotide position 773. The threonine at codon 258 is replaced by serine, an amino acid with similar properties. This amino acid position is conserved. In addition, the in silico prediction for this alteration is inconclusive. Since supporting evidence is limited at this time, the clinical significance of this alteration remains unclear.

NM_001365951.3(KIF1B):c.773C>G (p.Thr258Ser)

Gene: KIF1B (kinesin family member 1B; plus strand). Cytogenetic location: 1p36.22.
Variant type: single nucleotide variant.
Coding change: c.773C>G on transcript NM_001365951.3 (MANE Select); coding-DNA position 773, C replaced by G.
Protein change: p.Thr258Ser; replaces threonine 258 with serine.
Molecular consequence: missense variant.
Genome position (GRCh38, 1-based): chr1:10,271,554, C>G. VCF-style: chr1-10271554-C-G. GRCh37 (hg19) VCF-style: chr1-10331612-C-G.
Other names: c.773C>G, p.Thr258Ser (NM_001365952.1, NM_001365953.1, NM_015074.3 and 1 more transcripts); short protein forms T258S.
Identifiers: ClinVar variation 3226560 (VCV003226560.1), dbSNP rs1648799466, ClinGen allele CA338331498.
Genomic context (GRCh38, chr1:10,271,554, plus strand): 5'-TTTATCAGGTCAGTAAAATCAGCTTGGTGGATCTAGCAGGAAGTGAACGAGCTGATTCAA[C>G]TGGTGCCAAAGGGACTCGATTAAAGGTATTTATTTTAGCAAATAAATGGCCTGATCAATA-3'
Protein context (NP_001352880.1, residues 248-268): DLAGSERADS[Thr258Ser]GAKGTRLKEG